The following is an entry in ClinVar:

NM_206933.4(USH2A):c.1277A>G (p.Asn426Ser)

Gene: USH2A (usherin; minus strand). Cytogenetic location: 1q41.
Variant type: single nucleotide variant.
Coding change: c.1277A>G on transcript NM_206933.4 (MANE Select); coding-DNA position 1277, A replaced by G.
Protein change: p.Asn426Ser; replaces asparagine 426 with serine.
Molecular consequence: missense variant.
Genome position (GRCh38, 1-based): chr1:216,324,219, T>C on the plus strand (A>G on the coding strand, the complement: USH2A is on the minus strand). VCF-style: chr1-216324219-T-C. GRCh37 (hg19) VCF-style: chr1-216497561-T-C.
Other names: c.1277A>G, p.Asn426Ser (NM_007123.6); short protein forms N426S.
Identifiers: ClinVar variation 2154920 (VCV002154920.1), dbSNP rs761432173, ClinGen allele CA1396558.
Genomic context (GRCh38, chr1:216,324,219, plus strand): 5'-TATTCATACTTGGAAAGCTGAAGACAGTTGACAGAATCAGGTTTTTCCAAATCTCCATTG[T>C]TTTTCATTCCAAAAGCACCACAATTCCTGGCAAAATATTGCCAGTCCTCCCAATCTAAAC-3'
Protein context (NP_996816.3, residues 416-436): ARNCGAFGMK[Asn426Ser]NGDLEKPDSV

ClinVar aggregate classification (germline): Uncertain significance (1 of 4 stars; one submission).

Allele frequency attached by ClinVar (database versions not stated): gnomAD exomes below 0.00001; gnomAD 0.00001; ExAC 0.00002; TOPMed 0.00002.
gnomAD v4.1: 3 of 1,613,274 alleles (0.00019%); highest among the groups gnomAD compares: African/African-American, 0.0027%; no homozygotes.

Submission:

Labcorp Genetics (formerly Invitae), Labcorp
Classification: Uncertain significance. Last evaluated: 2022-02-17. Review status: criteria provided, single submitter. Criteria: Invitae Variant Classification Sherloc (09022015). Collection method: clinical testing. Allele origin: germline.
Comment: This sequence change replaces asparagine, which is neutral and polar, with serine, which is neutral and polar, at codon 426 of the USH2A protein (p.Asn426Ser). This variant is present in population databases (rs761432173, gnomAD 0.007%). This variant has not been reported in the literature in individuals affected with USH2A-related conditions. Algorithms developed to predict the effect of missense changes on protein structure and function are either unavailable or do not agree on the potential impact of this missense change (SIFT: "Deleterious"; PolyPhen-2: "Possibly Damaging"; Align-GVGD: "Class C15"). In summary, the available evidence is currently insufficient to determine the role of this variant in disease. Therefore, it has been classified as a Variant of Uncertain Significance.